The following is an entry in ClinVar:

NM_006231.4(POLE):c.2706G>A (p.Lys902=)

Gene: POLE (DNA polymerase epsilon, catalytic subunit; minus strand). Cytogenetic location: 12q24.33.
Variant type: single nucleotide variant.
Coding change: c.2706G>A on transcript NM_006231.4 (MANE Select); coding-DNA position 2706, G replaced by A.
Protein change: p.Lys902=; no amino-acid change (lysine 902 retained).
Molecular consequence: synonymous variant.
Genome position (GRCh38, 1-based): chr12:132,664,004, C>T on the plus strand (G>A on the coding strand, the complement: POLE is on the minus strand). VCF-style: chr12-132664004-C-T. GRCh37 (hg19) VCF-style: chr12-133240590-C-T.
Other names: c.2706G>A (NM_006231.2).
Identifiers: ClinVar variation 1980244 (VCV001980244.5), dbSNP rs2542061934, ClinGen allele CA482735953.

ClinVar aggregate classification (germline): Uncertain significance. Review status: criteria provided, multiple submitters, no conflicts (2 of 4 stars). 2 submissions from 2 submitters: Uncertain significance (2). Last evaluated 2026-03-13.

Conditions:
Hereditary cancer-predisposing syndrome. Also called: Neoplastic Syndromes, Hereditary; Tumor predisposition; Hereditary Cancer Syndrome; Hereditary neoplastic syndrome. Identifiers: Orphanet 140162, MedGen C0027672, MeSH D009386, MONDO:0015356.

Allele frequency attached by ClinVar (database versions not stated): gnomAD exomes below 0.00001.
gnomAD v4.1: 1 of 1,613,982 alleles (0.000062%); highest among the groups gnomAD compares: African/African-American, 0.0013%; no homozygotes.

Submissions (2):

Ambry Genetics
Classification: Uncertain significance for Hereditary cancer-predisposing syndrome. Last evaluated: 2026-03-13. Review status: criteria provided, single submitter. Criteria: Ambry Variant Classification Scheme 2023. Collection method: clinical testing. Allele origin: germline.
Comment: The c.2706G>A variant (also known as p.K902K), located in coding exon 23 of the POLE gene, results from a G to A substitution at nucleotide position 2706. This nucleotide substitution does not change the amino acid at codon 902. However, this change occurs in the last base pair of coding exon 23, which makes it likely to have some effect on normal mRNA splicing. This nucleotide position is highly conserved in available vertebrate species. In silico splice site analysis predicts that this alteration will not have any significant effect on splicing. Based on the available evidence, the clinical significance of this variant remains unclear.

Labcorp Genetics (formerly Invitae), Labcorp
Classification: Uncertain significance. Last evaluated: 2025-12-08. Review status: criteria provided, single submitter. Criteria: Invitae Variant Classification Sherloc (09022015). Collection method: clinical testing. Allele origin: germline.
Comment: This sequence change affects codon 902 of the POLE mRNA. It is a 'silent' change, meaning that it does not change the encoded amino acid sequence of the POLE protein. This variant also falls at the last nucleotide of exon 23, which is part of the consensus splice site for this exon. This variant is not present in population databases (gnomAD no frequency). This variant has not been reported in the literature in individuals affected with POLE-related conditions. ClinVar contains an entry for this variant (Variation ID: 1980244). Variants that disrupt the consensus splice site are a relatively common cause of aberrant splicing (PMID: 17576681, 9536098). Algorithms developed to predict the effect of sequence changes on RNA splicing suggest that this variant is not likely to affect RNA splicing. In summary, the available evidence is currently insufficient to determine the role of this variant in disease. Therefore, it has been classified as a Variant of Uncertain Significance.

Literature cited by the submitters: PubMed 17576681 (cited by Labcorp Genetics (formerly Invitae), Labcorp); PubMed 9536098 (cited by Labcorp Genetics (formerly Invitae), Labcorp).